The following is an entry in ClinVar:

ClinVar aggregate classification (germline): Uncertain significance. Review status: criteria provided, multiple submitters, no conflicts (2 of 4 stars). 3 submissions from 3 submitters: Uncertain significance (3). Last evaluated 2025-11-10.

Conditions:
Hereditary cancer-predisposing syndrome. Also called: Hereditary neoplastic syndrome; Neoplastic Syndromes, Hereditary; Tumor predisposition; Hereditary Cancer Syndrome. Identifiers: Orphanet 140162, MedGen C0027672, MeSH D009386, MONDO:0015356.
Breast-ovarian cancer, familial, susceptibility to, 4. Identifiers: Orphanet 145, MedGen C3280345, MONDO:0013669, OMIM 614291.

Submissions (3):

Color Diagnostics, LLC DBA Color Health
Classification: Uncertain significance for Hereditary cancer-predisposing syndrome. Last evaluated: 2025-11-10. Review status: criteria provided, single submitter. Criteria: ACMG Guidelines, 2015. Collection method: clinical testing. Allele origin: germline.
Comment: This missense variant replaces methionine with isoleucine at codon 243 of the RAD51D protein. Computational prediction suggests that this variant may not impact protein structure and function. To our knowledge, functional studies have not been reported for this variant. This variant has not been reported in individuals affected with RAD51D-related disorders in the literature. This variant has not been identified in the general population by the Genome Aggregation Database (gnomAD). The available evidence is insufficient to determine the role of this variant in disease conclusively. Therefore, this variant is classified as a Variant of Uncertain Significance.

Labcorp Genetics (formerly Invitae), Labcorp
Classification: Uncertain significance for Breast-ovarian cancer, familial, susceptibility to, 4. Last evaluated: 2025-10-10. Review status: criteria provided, single submitter. Criteria: Invitae Variant Classification Sherloc (09022015). Collection method: clinical testing. Allele origin: germline.
Comment: This sequence change replaces methionine, which is neutral and non-polar, with isoleucine, which is neutral and non-polar, at codon 243 of the RAD51D protein (p.Met243Ile). This variant is not present in population databases (gnomAD no frequency). This variant has not been reported in the literature in individuals affected with RAD51D-related conditions. Invitae Evidence Modeling of protein sequence and biophysical properties (such as structural, functional, and spatial information, amino acid conservation, physicochemical variation, residue mobility, and thermodynamic stability) indicates that this missense variant is not expected to disrupt RAD51D protein function with a negative predictive value of 80%. In summary, the available evidence is currently insufficient to determine the role of this variant in disease. Therefore, it has been classified as a Variant of Uncertain Significance.

Ambry Genetics
Classification: Uncertain significance for Hereditary cancer-predisposing syndrome. Last evaluated: 2025-07-28. Review status: criteria provided, single submitter. Criteria: Ambry Variant Classification Scheme 2023. Collection method: clinical testing. Allele origin: germline.
Comment: The p.M243I variant (also known as c.729G>A), located in coding exon 8 of the RAD51D gene, results from a G to A substitution at nucleotide position 729. The methionine at codon 243 is replaced by isoleucine, an amino acid with highly similar properties. This amino acid position is conserved. In addition, this alteration is predicted to be tolerated by in silico analysis. Based on the available evidence, the clinical significance of this variant remains unclear.

NM_002878.4(RAD51D):c.729G>A (p.Met243Ile)

Genes: RAD51D (RAD51 paralog D; minus strand), RAD51L3-RFFL (RAD51L3-RFFL readthrough; minus strand). Cytogenetic location: 17q12.
Variant type: single nucleotide variant.
Coding change: c.729G>A on transcript NM_002878.4 (MANE Select); coding-DNA position 729, G replaced by A.
Protein change: p.Met243Ile; replaces methionine 243 with isoleucine.
Molecular consequence: missense variant. On other transcripts: non-coding transcript variant (3).
Genome position (GRCh38, 1-based): chr17:35,103,263, C>T on the plus strand (G>A on the coding strand, the complement: RAD51D is on the minus strand). VCF-style: chr17-35103263-C-T. GRCh37 (hg19) VCF-style: chr17-33430282-C-T.
Other names: c.789G>A, p.Met263Ile (NM_001142571.2); c.393G>A, p.Met131Ile (NM_133629.3); short protein forms M131I, M243I, M263I.
Identifiers: ClinVar variation 4149912 (VCV004149912.2).